The following is an entry in ClinVar:

ClinVar aggregate classification (germline): Uncertain significance. Review status: criteria provided, multiple submitters, no conflicts (2 of 4 stars). 2 submissions from 2 submitters: Uncertain significance (2). Last evaluated 2022-08-15.

Conditions:
Inborn genetic diseases. Identifiers: MedGen C0950123, MeSH D030342.
Progressive myoclonic epilepsy. Also called: Myoclonic Epilepsies, Progressive; Familial progressive myoclonic epilepsy; Myoclonus epilepsy; Progressive myoclonus epilepsy. Identifiers: Orphanet 308, Orphanet 98261, MedGen C0751778, MONDO:0020074.

Allele frequency attached by ClinVar (database versions not stated): gnomAD exomes 0.00001; ExAC 0.00002; TOPMed 0.00003; gnomAD 0.00004; ESP Exome Variant Server 0.00008; 1000 Genomes Project 30x 0.00016; 1000 Genomes Project 0.00020.
gnomAD v4.1: 13 of 1,529,206 alleles (0.00085%); highest among the groups gnomAD compares: African/African-American, 0.012%; no homozygotes.

Submissions (2):

Labcorp Genetics (formerly Invitae), Labcorp
Classification: Uncertain significance for Progressive myoclonic epilepsy. Last evaluated: 2022-08-15. Review status: criteria provided, single submitter. Criteria: Invitae Variant Classification Sherloc (09022015). Collection method: clinical testing. Allele origin: germline.
Comment: This sequence change replaces lysine, which is basic and polar, with arginine, which is basic and polar, at codon 27 of the GOSR2 protein (p.Lys27Arg). This variant is present in population databases (rs373000501, gnomAD 0.007%). This variant has not been reported in the literature in individuals affected with GOSR2-related conditions. ClinVar contains an entry for this variant (Variation ID: 955696). Algorithms developed to predict the effect of missense changes on protein structure and function output the following: SIFT: "Tolerated"; PolyPhen-2: "Benign"; Align-GVGD: "Class C0". The arginine amino acid residue is found in multiple mammalian species, which suggests that this missense change does not adversely affect protein function. In summary, the available evidence is currently insufficient to determine the role of this variant in disease. Therefore, it has been classified as a Variant of Uncertain Significance.

Ambry Genetics
Classification: Uncertain significance for Inborn genetic diseases. Last evaluated: 2022-04-07. Review status: criteria provided, single submitter. Criteria: Ambry Variant Classification Scheme 2023. Collection method: clinical testing. Allele origin: germline.

NM_004287.5(GOSR2):c.80A>G (p.Lys27Arg)

Genes: GOSR2 (golgi SNAP receptor complex member 2; plus strand), LRRC37A2 (leucine rich repeat containing 37 member A2). Cytogenetic location: 17q21.32.
Variant type: single nucleotide variant.
Coding change: c.80A>G on transcript NM_004287.5 (MANE Select); coding-DNA position 80, A replaced by G.
Protein change: p.Lys27Arg; replaces lysine 27 with arginine.
Molecular consequence: missense variant. On other transcripts: non-coding transcript variant (3).
Genome position (GRCh38, 1-based): chr17:46,929,570, A>G. VCF-style: chr17-46929570-A-G. GRCh37 (hg19) VCF-style: chr17-45006936-A-G.
Other names: c.80A>G, p.Lys27Arg (NM_001012511.3, NM_001321133.2, NM_001330252.2 and 4 more transcripts); c.26A>G, p.Lys9Arg (NM_001321134.2, NM_001363851.2); short protein forms K9R, K27R.
Identifiers: ClinVar variation 955696 (VCV000955696.6), dbSNP rs373000501, ClinGen allele CA8621134.
Genomic context (GRCh38, chr17:46,929,570, plus strand): 5'-CCTTTGATAGGCAGGTCCACGAGATCCAGTCTTGCATGGGACGCCTGGAGACGGCAGACA[A>G]GCAGTCTGTGCACAGTGAGTAATTAACTGTGGAGACCAGAGTCCTTTCTCTGATGACAGG-3'
Protein context (NP_004278.2, residues 17-37): SCMGRLETAD[Lys27Arg]QSVHIVENEI